The following is an entry in ClinVar:

ClinVar aggregate classification (germline): Uncertain significance (1 of 4 stars; one submission).

Conditions:
Inborn genetic diseases. Identifiers: MedGen C0950123, MeSH D030342.

Submission:

Ambry Genetics
Classification: Uncertain significance for Inborn genetic diseases. Last evaluated: 2020-08-28. Review status: criteria provided, single submitter. Criteria: Ambry Variant Classification Scheme 2023. Collection method: clinical testing. Allele origin: germline.
Comment: The p.R244S variant (also known as c.730C>A), located in coding exon 6 of the MPZ gene, results from a C to A substitution at nucleotide position 730. The arginine at codon 244 is replaced by serine, an amino acid with dissimilar properties. This amino acid position is highly conserved in available vertebrate species. In addition, the in silico prediction for this alteration is inconclusive. Since supporting evidence is limited at this time, the clinical significance of this alteration remains unclear.

NM_000530.8(MPZ):c.730C>A (p.Arg244Ser)

Gene: MPZ (myelin protein zero; minus strand). Cytogenetic location: 1q23.3.
Variant type: single nucleotide variant.
Coding change: c.730C>A on transcript NM_000530.8 (MANE Select); coding-DNA position 730, C replaced by A.
Protein change: p.Arg244Ser; replaces arginine 244 with serine.
Molecular consequence: missense variant.
Genome position (GRCh38, 1-based): chr1:161,305,893, G>T on the plus strand (C>A on the coding strand, the complement: MPZ is on the minus strand). VCF-style: chr1-161305893-G-T. GRCh37 (hg19) VCF-style: chr1-161275683-G-T.
Other names: c.730C>A, p.Arg244Ser (NM_001315491.2); short protein forms R244S.
Identifiers: ClinVar variation 1758245 (VCV001758245.2), dbSNP rs757552445, ClinGen allele CA343343851.
Genomic context (GRCh38, chr1:161,305,893, plus strand): 5'-ACTCCACCCCTAACCCCCGATCCCCCGCCCGGCCCGCTAACCGCTATTTCTTATCCTTGC[G>T]AGACTCCCCCAGCCCCTTGGCCTTCTTCTCACTGACAGCTTTGGTGCTTCTGCTGTGGTC-3'
Protein context (NP_000521.2, residues 234-248): EKKAKGLGES[Arg244Ser]KDKK